The following is an entry in ClinVar:

ClinVar aggregate classification (germline): Uncertain significance. Review status: criteria provided, multiple submitters, no conflicts (2 of 4 stars). 2 submissions from 2 submitters: Uncertain significance (2). Last evaluated 2024-11-26.

gnomAD v4.1: 8 of 1,605,840 alleles (0.0005%); highest among the groups gnomAD compares: Admixed American, 0.01%; no homozygotes.

Submissions (2):

Ambry Genetics
Classification: Uncertain significance. Last evaluated: 2024-11-26. Review status: criteria provided, single submitter. Criteria: Ambry Variant Classification Scheme 2023. Collection method: clinical testing. Allele origin: germline.

GeneDx
Classification: Uncertain significance. Last evaluated: 2022-06-09. Review status: criteria provided, single submitter. Criteria: GeneDx Variant Classification Process June 2021. Collection method: clinical testing. Allele origin: germline.
Comment: Has not been previously published as pathogenic or benign to our knowledge; In silico analysis supports that this missense variant does not alter protein structure/function; Variants in candidate genes are classified as variants of uncertain significance in accordance with ACMG guidelines (Richards et al., 2015)

NM_002332.3(LRP1):c.8719T>C (p.Ser2907Pro)

Gene: LRP1 (LDL receptor related protein 1; plus strand). Cytogenetic location: 12q13.3.
Variant type: single nucleotide variant.
Coding change: c.8719T>C on transcript NM_002332.3 (MANE Select); coding-DNA position 8719, T replaced by C.
Protein change: p.Ser2907Pro; replaces serine 2907 with proline.
Molecular consequence: missense variant.
Genome position (GRCh38, 1-based): chr12:57,196,104, T>C. VCF-style: chr12-57196104-T-C. GRCh37 (hg19) VCF-style: chr12-57589887-T-C.
Other names: short protein forms S2907P.
Identifiers: ClinVar variation 3539554 (VCV003539554.2).